The following is an entry in ClinVar:

ClinVar aggregate classification (germline): Uncertain significance (1 of 4 stars; one submission).

Conditions:
Ehlers-Danlos syndrome, type 4 (EDSVASC). Also called: Ehlers-Danlos Syndrome Type IV; Ehlers-Danlos syndrome vascular type; Ehlers Danlos syndrome, ecchymotic type; Ehlers Danlos syndrome, arterial type; Ehlers Danlos syndrome, Sack-Barabas type. Identifiers: Orphanet 286, MedGen C0268338, MONDO:0017314, OMIM 130050.

Submission:

All of Us Research Program, National Institutes of Health
Classification: Uncertain significance for Ehlers-Danlos syndrome, type 4. Last evaluated: 2023-04-27. Review status: criteria provided, single submitter. Criteria: ACMG Guidelines, 2015. Collection method: clinical testing. Allele origin: germline. Inheritance: Autosomal dominant inheritance. Observed: 1 variant allele, 1 heterozygote.
Comment: This study involves interpretation of variants in research participants for the purpose of population health screening. Participant phenotype was not available at the time of variant classification. Additional details can be found in publication PMID: 35346344, PMCID: PMC8962531

NM_000090.4(COL3A1):c.3734T>C (p.Ile1245Thr)

Gene: COL3A1 (collagen type III alpha 1 chain; plus strand). Cytogenetic location: 2q32.2.
Variant type: single nucleotide variant.
Coding change: c.3734T>C on transcript NM_000090.4 (MANE Select); coding-DNA position 3734, T replaced by C.
Protein change: p.Ile1245Thr; replaces isoleucine 1245 with threonine.
Molecular consequence: missense variant.
Genome position (GRCh38, 1-based): chr2:189,009,132, T>C. VCF-style: chr2-189009132-T-C. GRCh37 (hg19) VCF-style: chr2-189873858-T-C.
Other names: short protein forms I1245T.
Identifiers: ClinVar variation 3070507 (VCV003070507.1), dbSNP rs2153504105, ClinGen allele CA349847438.